The following is an entry in ClinVar:

ClinVar aggregate classification (germline): Likely benign. Review status: criteria provided, multiple submitters, no conflicts (2 of 4 stars). 3 submissions from 3 submitters: Likely benign (3). Last evaluated 2025-07-03.

Conditions:
Hereditary nonpolyposis colorectal neoplasms. Identifiers: MedGen C0009405, MeSH D003123.
Lynch syndrome 5 (LYNCH5). Also called: Colorectal cancer, hereditary nonpolyposis, type 5; Hereditary non-polyposis colorectal cancer, type 5. Identifiers: Orphanet 144, MedGen C1833477, MONDO:0013710, OMIM 614350. Disease mechanism: loss of function.
Hereditary cancer-predisposing syndrome. Also called: Neoplastic Syndromes, Hereditary; Hereditary Cancer Syndrome; Tumor predisposition; Hereditary neoplastic syndrome. Identifiers: Orphanet 140162, MedGen C0027672, MeSH D009386, MONDO:0015356.

Submissions (3):

Color Diagnostics, LLC DBA Color Health
Classification: Likely benign for Hereditary cancer-predisposing syndrome. Last evaluated: 2025-07-03. Review status: criteria provided, single submitter. Criteria: ACMG Guidelines, 2015. Collection method: clinical testing. Allele origin: germline.

Myriad Genetics, Inc.
Classification: Likely benign for Lynch syndrome 5. Last evaluated: 2025-01-07. Review status: criteria provided, single submitter. Criteria: Myriad Autosomal Dominant, Autosomal Recessive and X-Linked Classification Criteria (2023). Collection method: clinical testing. Allele origin: unknown.
Comment: This variant is considered likely benign. This variant is intronic and is not expected to impact mRNA splicing.

Labcorp Genetics (formerly Invitae), Labcorp
Classification: Likely benign for Hereditary nonpolyposis colorectal neoplasms. Last evaluated: 2022-11-01. Review status: criteria provided, single submitter. Criteria: Invitae Variant Classification Sherloc (09022015). Collection method: clinical testing. Allele origin: germline.

NM_000179.3(MSH6):c.3647-6dup

Gene: MSH6 (mutS homolog 6; plus strand). Cytogenetic location: 2p16.3.
Variant type: Duplication.
Coding change: c.3647-6dup on transcript NM_000179.3 (MANE Select); 6 bases into the intron before coding-DNA position 3647, one base duplicated (T; older notation c.3647-6dupT).
Molecular consequence: intron variant.
Genome position (GRCh38, 1-based): chr2:47,806,198, T duplicated; the last of 3 consecutive T bases (chr2:47,806,196-47,806,198); duplicating any one gives the same sequence. VCF-style (leftmost placement, unchanged base first): chr2-47806195-C-CT. GRCh37 (hg19) VCF-style: chr2-48033334-C-CT.
Other names: c.2741-6dup (NM_001281493.2, NM_001281494.2); c.3257-6dup (NM_001281492.2).
Identifiers: ClinVar variation 971148 (VCV000971148.12), dbSNP rs766983279, ClinGen allele CA071777.